The following is an entry in ClinVar:

ClinVar aggregate classification (germline): Uncertain significance (1 of 4 stars; one submission).

Conditions:
Wolman disease (WOLD). Also called: Acid cholesteryl ester hydrolase deficiency, Wolman type; Acid lipase disease; LYSOSOMAL ACID LIPASE DEFICIENCY, ACUTE INFANTILE; LYSOSOMAL ACID LIPASE DEFICIENCY, COMPLETE; LIPA DEFICIENCY, COMPLETE; LAL DEFICIENCY, COMPLETE. Identifiers: Orphanet 75233, MedGen C0043208, MONDO:0019148, OMIM 620151.

Submission:

Labcorp Genetics (formerly Invitae), Labcorp
Classification: Uncertain significance for Wolman disease. Last evaluated: 2026-01-12. Review status: criteria provided, single submitter. Criteria: Invitae Variant Classification Sherloc (09022015). Collection method: clinical testing. Allele origin: germline.
Comment: This sequence change replaces serine, which is neutral and polar, with phenylalanine, which is neutral and non-polar, at codon 19 of the LIPA protein (p.Ser19Phe). This variant is not present in population databases (gnomAD no frequency). This variant has not been reported in the literature in individuals affected with LIPA-related conditions. ClinVar contains an entry for this variant (Variation ID: 1964274). Invitae Evidence Modeling of protein sequence and biophysical properties (such as structural, functional, and spatial information, amino acid conservation, physicochemical variation, residue mobility, and thermodynamic stability) indicates that this missense variant is not expected to disrupt LIPA protein function with a negative predictive value of 95%. In summary, the available evidence is currently insufficient to determine the role of this variant in disease. Therefore, it has been classified as a Variant of Uncertain Significance.

NM_000235.4(LIPA):c.56C>T (p.Ser19Phe)

Gene: LIPA (lipase A, lysosomal acid type; minus strand). Cytogenetic location: 10q23.31.
Variant type: single nucleotide variant.
Coding change: c.56C>T on transcript NM_000235.4 (MANE Select); coding-DNA position 56, C replaced by T.
Protein change: p.Ser19Phe; replaces serine 19 with phenylalanine.
Molecular consequence: missense variant. On other transcripts: intron variant (1).
Genome position (GRCh38, 1-based): chr10:89,247,593, G>A on the plus strand (C>T on the coding strand, the complement: LIPA is on the minus strand). VCF-style: chr10-89247593-G-A. GRCh37 (hg19) VCF-style: chr10-91007350-G-A.
Other names: c.56C>T, p.Ser19Phe (NM_001127605.3); c.-120+4144C>T (NM_001288979.2); short protein forms S19F.
Identifiers: ClinVar variation 1964274 (VCV001964274.5), dbSNP rs2495648546, ClinGen allele CA377518559.
Genomic context (GRCh38, chr10:89,247,593, plus strand): 5'-CTTACCACATTCATGTTTGTTTCAGGATCCACAGCTGTCAGTTTCCCTCCAGACCCCTCA[G>A]AATGCAGGGTCCAGAGAACCAAACAGACCACCAACCCCAAGAACCGCATTTTCATTCTGT-3'
Protein context (NP_000226.2, residues 9-29): VVCLVLWTLH[Ser19Phe]EGSGGKLTAV